The following is an entry in ClinVar:

ClinVar aggregate classification (germline): Pathogenic (3 of 4 stars; one submission).

Conditions:
Glanzmann thrombasthenia. Also called: Glanzmann's thrombasthenia; PLATELET GLYCOPROTEIN IIb-IIIa DEFICIENCY; BLEEDING DISORDER, PLATELET-TYPE, 2; THROMBASTHENIA OF GLANZMANN AND NAEGELI; Thrombasthenia. Identifiers: Orphanet 849, MedGen C0040015, MONDO:0100326.

Submission:

ClinGen Platelet Disorders Variant Curation Expert Panel, ClinGen
Classification: Pathogenic for Glanzmann thrombasthenia. Last evaluated: 2024-08-20. Review status: reviewed by expert panel. Criteria: ClinGen Platelet ACMG Specifications v2-1. Collection method: curation. Allele origin: germline. Inheritance: Autosomal recessive inheritance.
Comment: The NM_000419.5(ITGA2B):c.2613del (p.Leu872CysfsTer38) frameshift variant generates a premature stop codon in exon 27 of 30 and is predicted to result in NMD (PVS1). The variant is absent from population databases including gnomADv4.1.0 (PM2_supporting). It has been reported in one Glanzmann thrombasthenia patient (PMID: 29675921) however a second ITGA2B variant was not identified. That patient is not considered in analysis of this variant as the authors provide no explanation for how the proposed genotype of the patient (heterozygous ITGA2B c.2613del/heterozygous ITGB3 Cys549Ser) could explain the GT phenotype and the possibility that biallelic variation in ITGB3 is responsible could not be ruled out. The possibility of a large deletion or duplication on the opposite allele has not been assessed. An additional GT proband (DOI 10.1182/blood-2023-182694) with this variant displayed mucocutaneous bleeding and impaired aggregation with all agonists except ristocetin, which is highly specific for Glanzmann thrombasthenia (PP4_moderate). Additionally, αIIbβ3 surface expression was absent or reduced, as measured by flow cytometry. However, ITGA2B and ITGB3 were not reported to be sequenced across all exons and intron/exon boundaries. In summary, this variant meets criteria to be classified as Pathogenic for GT. GT-specific criteria applied: PVS1, PP4_Moderate and PM2_Supporting.

NM_000419.5(ITGA2B):c.2613del (p.Leu872fs)

Gene: ITGA2B (integrin subunit alpha 2b; minus strand). Cytogenetic location: 17q21.31.
Variant type: Deletion.
Coding change: c.2613del on transcript NM_000419.5 (MANE Select); coding-DNA position 2613, one base deleted (G; older notation c.2613delG).
Protein change: p.Leu872fs; shifts the reading frame from leucine 872.
Molecular consequence: frameshift variant.
Genome position (GRCh38, 1-based): chr17:44,375,705, C deleted on the plus strand (G on the coding strand, the reverse complement: ITGA2B is on the minus strand); the first of 5 consecutive C bases (chr17:44,375,705-44,375,709); deleting any one gives the same sequence. VCF-style (leftmost placement, unchanged base first): chr17-44375704-GC-G. GRCh37 (hg19) VCF-style: chr17-42453072-GC-G.
Other names: short protein forms L872fs.
Identifiers: ClinVar variation 996158 (VCV000996158.3), dbSNP rs2048535976, ClinGen allele CA915940594.